The following is an entry in ClinVar:

ClinVar aggregate classification (germline): Pathogenic/Likely pathogenic. Review status: criteria provided, multiple submitters, no conflicts (2 of 4 stars). 7 submissions from 7 submitters: Pathogenic (5); Likely pathogenic (2). Last evaluated 2025-12-11.

Conditions:
CFTR-related disorder (CFTR-RD). Also called: CFTR-related condition; CFTR-related disorders. Identifiers: MedGen C5924204, MONDO:7770004.
Cystic fibrosis (CF). Also called: MUCOVISCIDOSIS. Identifiers: Orphanet 586, MedGen C0010674, MONDO:0009061, OMIM 219700. Disease mechanism: loss of function.
Congenital bilateral aplasia of vas deferens from CFTR mutation (CBAVD). Identifiers: Orphanet 48, MedGen C0403814, MONDO:0010178, OMIM 277180. Disease mechanism: loss of function.

Submissions (7):

Women's Health and Genetics/Laboratory Corporation of America, LabCorp
Classification: Pathogenic for Cystic fibrosis. Last evaluated: 2025-12-11. Review status: criteria provided, single submitter. Criteria: LabCorp Variant Classification Summary - May 2015. Collection method: clinical testing. Allele origin: germline.
Comment: Variant summary: CFTR c.2805_2810delinsTCAGA (p.Pro936GlnfsX6) results in a premature termination codon, predicted to cause a truncation of the encoded protein or absence of the protein due to nonsense mediated decay, which are commonly known mechanisms for disease. The variant was absent in 282810 control chromosomes. c.2805_2810delinsTCAGA has been observed in individuals affected with Cystic Fibrosis (e.g. Semple_2020). These data indicate that the variant is likely to be associated with disease. The following publication has been ascertained in the context of this evaluation (PMID: 32043836). ClinVar contains an entry for this variant (Variation ID: 439069). Based on the evidence outlined above, the variant was classified as pathogenic.

Natera, Inc.
Classification: Pathogenic for CFTR-related disorders. Last evaluated: 2024-06-05. Review status: criteria provided, single submitter. Criteria: Natera Variant Classification Schema (03/2026). Collection method: clinical testing. Allele origin: germline.
Comment: The c.2805_2810delACCACTinsTCAGA variant in CFTR is a frameshift variant predicted to shift the reading frame beginning at codon 936 and leads to a stop codon 6 codons downstream. This variant is expected to result in nonsense mediated decay, truncation, or a dysfunctional protein product. This variant is rare in the general population with a frequency below the threshold expected for the associated phenotype(s). This variant has been observed in one or more individuals affected with the associated recessive disease, as either homozygous or compound heterozygous with a second variant (PMID: 34377682, 32043836). Given the available evidence, this variant is classified as Pathogenic.

Institute of Human Genetics, University of Leipzig Medical Center
Classification: Pathogenic for Cystic fibrosis. Last evaluated: 2022-09-05. Review status: criteria provided, single submitter. Criteria: ACMG Guidelines, 2015. Collection method: curation. Allele origin: unknown. Affected: yes. Observed: 1 variant allele.
Comment: The variant was classified in the context of a project re-classifying variants in the German Cystic Fibrosis Registry (Muko.e.V.). Criteria applied: PVS1, PM3, PM2_SUP, PP4

Labcorp Genetics (formerly Invitae), Labcorp
Classification: Pathogenic for Cystic fibrosis. Last evaluated: 2019-05-26. Review status: criteria provided, single submitter. Criteria: Invitae Variant Classification Sherloc (09022015). Collection method: clinical testing. Allele origin: germline.
Comment: For these reasons, this variant has been classified as Pathogenic. Loss-of-function variants in CFTR are known to be pathogenic (PMID: 1695717, 7691345, 9725922). This variant has not been reported in the literature in individuals with CFTR-related conditions. ClinVar contains an entry for this variant (Variation ID: 439069). This variant is not present in population databases (ExAC no frequency). This sequence change creates a premature translational stop signal (p.Pro936Glnfs*6) in the CFTR gene. It is expected to result in an absent or disrupted protein product.

CFTR-France
Classification: Pathogenic for cystic fibrosis. Last evaluated: 2018-01-29. Review status: criteria provided, single submitter. Criteria: Claustres M et al. (Hum Mutat 2017). Collection method: curation. Allele origin: germline. Affected: yes.

Quest Diagnostics Nichols Institute San Juan Capistrano
Classification: Likely pathogenic. Last evaluated: 2016-01-05. Review status: criteria provided, single submitter. Criteria: Quest Diagnostics criteria. Collection method: clinical testing. Allele origin: germline.

Baylor Genetics
Classification: Likely pathogenic for Congenital bilateral aplasia of vas deferens from CFTR mutation; Cystic fibrosis. Review status: criteria provided, single submitter. Criteria: ACMG Guidelines, 2015. Collection method: clinical testing. Allele origin: germline.

Literature cited by the submitters: PubMed 32043836 (cited by Women's Health and Genetics/Laboratory Corporation of America, LabCorp and Natera, Inc.); PubMed 34377682 (cited by Natera, Inc.); PubMed 1695717 (cited by Labcorp Genetics (formerly Invitae), Labcorp); PubMed 7691345 (cited by Labcorp Genetics (formerly Invitae), Labcorp); PubMed 9725922 (cited by Labcorp Genetics (formerly Invitae), Labcorp).

NM_000492.4(CFTR):c.2805_2810delinsTCAGA

Gene: CFTR (CF transmembrane conductance regulator; plus strand). Cytogenetic location: 7q31.2.
Variant type: Indel.
Coding change: c.2805_2810delinsTCAGA on transcript NM_000492.4 (MANE Select); coding-DNA positions 2805 to 2810, ACCACT replaced by TCAGA.
Genome position (GRCh38, 1-based): chr7:117,603,679-117,603,684, ACCACT replaced by TCAGA. VCF-style: chr7-117603679-ACCACT-TCAGA. GRCh37 (hg19) VCF-style: chr7-117243733-ACCACT-TCAGA.
Other names: c.2805_2810delACCACTinsTCAGA (NM_000492.3); c.2805_2810delinsTCAGA, p.Pro936fs (LRG_663t1).
Identifiers: ClinVar variation 439069 (VCV000439069.13), dbSNP rs1554391033, ClinGen allele CA645509184.
Genomic context (GRCh38, chr7:117,603,679, plus strand): 5'-GTTTTACATTTACGTGGGAGTAGCCGACACTTTGCTTGCTATGGGATTCTTCAGAGGTCT[ACCACT>TCAGA]GGTGCATACTCTAATCACAGTGTCGAAAATTTTACACCACAAAATGTTACATTCTGTTCT-3'